The following is an entry in ClinVar:

ClinVar aggregate classification (germline): Uncertain significance. Review status: criteria provided, multiple submitters, no conflicts (2 of 4 stars). 2 submissions from 2 submitters: Uncertain significance (2). Last evaluated 2026-04-08.

Conditions:
Inborn genetic diseases. Identifiers: MedGen C0950123, MeSH D030342.
Familial hemophagocytic lymphohistiocytosis 5. Also called: STXBP2-Related Familial Hemophagocytic Lymphohistiocytosis (STXBP2-fHLH). Identifiers: Orphanet 540, MedGen C2751293, MONDO:0013135, OMIM 613101.

Allele frequency attached by ClinVar (database versions not stated): ExAC 0.00005; gnomAD 0.00001; gnomAD exomes 0.00001; TOPMed 0.00001.
gnomAD v4.1: 19 of 1,607,744 alleles (0.0012%); highest among the groups gnomAD compares: Non-Finnish European, 0.0015%; no homozygotes.

Submissions (2):

Ambry Genetics
Classification: Uncertain significance for Inborn genetic diseases. Last evaluated: 2026-04-08. Review status: criteria provided, single submitter. Criteria: Ambry Variant Classification Scheme 2023. Collection method: clinical testing. Allele origin: germline.

Labcorp Genetics (formerly Invitae), Labcorp
Classification: Uncertain significance for Familial hemophagocytic lymphohistiocytosis 5. Last evaluated: 2023-09-21. Review status: criteria provided, single submitter. Criteria: Invitae Variant Classification Sherloc (09022015). Collection method: clinical testing. Allele origin: germline.
Comment: In summary, the available evidence is currently insufficient to determine the role of this variant in disease. Therefore, it has been classified as a Variant of Uncertain Significance. Advanced modeling of protein sequence and biophysical properties (such as structural, functional, and spatial information, amino acid conservation, physicochemical variation, residue mobility, and thermodynamic stability) performed at Invitae indicates that this missense variant is not expected to disrupt STXBP2 protein function. This sequence change replaces serine, which is neutral and polar, with threonine, which is neutral and polar, at codon 458 of the STXBP2 protein (p.Ser458Thr). This variant has not been reported in the literature in individuals affected with STXBP2-related conditions. This variant is present in population databases (rs753091870, gnomAD 0.004%).

NM_006949.4(STXBP2):c.1373G>C (p.Ser458Thr)

Gene: STXBP2 (syntaxin binding protein 2; plus strand). Cytogenetic location: 19p13.2.
Variant type: single nucleotide variant.
Coding change: c.1373G>C on transcript NM_006949.4 (MANE Select); coding-DNA position 1373, G replaced by C.
Protein change: p.Ser458Thr; replaces serine 458 with threonine.
Molecular consequence: missense variant. On other transcripts: non-coding transcript variant (1).
Genome position (GRCh38, 1-based): chr19:7,646,265, G>C. VCF-style: chr19-7646265-G-C. GRCh37 (hg19) VCF-style: chr19-7711151-G-C.
Other names: c.1364G>C, p.Ser455Thr (NM_001127396.3); c.1406G>C, p.Ser469Thr (NM_001272034.2); c.1277G>C, p.Ser426Thr (NM_001414484.1); short protein forms S426T, S455T, S458T, S469T.
Identifiers: ClinVar variation 2746079 (VCV002746079.2), dbSNP rs753091870, ClinGen allele CA9144132.
Genomic context (GRCh38, chr19:7,646,265, plus strand): 5'-CCTTCCCCTCAATCCCCCTGCTGCCCTCCCTGCCCTGCCTGTAGGGCTCGGGGACCTCCA[G>C]CCGGCTGGAGCCGAGAGAACGCATGGAGCCCACCTATCAGCTGTCCCGCTGGACCCCGGT-3'
Protein context (NP_008880.2, residues 448-468): VTNPGGSGTS[Ser458Thr]RLEPRERMEP